The following is an entry in ClinVar:

NM_000431.4(MVK):c.607dup (p.Val203fs)

Gene: MVK (mevalonate kinase; plus strand). Cytogenetic location: 12q24.11.
Variant type: Duplication.
Coding change: c.607dup on transcript NM_000431.4 (MANE Select); coding-DNA position 607, one base duplicated (G; older notation c.607dupG).
Protein change: p.Val203fs; shifts the reading frame from valine 203.
Molecular consequence: frameshift variant.
Genome position (GRCh38, 1-based): chr12:109,586,101, G duplicated. VCF-style (leftmost placement, unchanged base first): chr12-109586100-A-AG. GRCh37 (hg19) VCF-style: chr12-110023905-A-AG.
Other names: c.607dup, p.Val203fs (NM_001114185.3); c.451dup, p.Val151fs (NM_001301182.2); short protein forms V151fs, V203fs.
Identifiers: ClinVar variation 97600 (VCV000097600.1), dbSNP rs104895374, ClinGen allele CA149852.

ClinVar aggregate classification (germline): not provided (0 of 4 stars; one submission).

Conditions:
Hyperimmunoglobulin D with periodic fever (HIDS). Also called: HYPERIMMUNOGLOBULINEMIA D AND PERIODIC FEVER SYNDROME; Hyperimmunoglobulinemia D; Hyperimmunoglobulinemia D with periodic fever. Identifiers: Orphanet 343, MedGen C0398691, MONDO:0009849, OMIM 260920.

Submission:

Unité médicale des maladies autoinflammatoires, CHRU Montpellier
No classification provided. Condition: Hyperimmunoglobulin D with periodic fever. Review status: no classification provided. Collection method: not provided. Allele origin: unknown.
Comment: also involved in OMIM 25117